The following is an entry in ClinVar:

ClinVar aggregate classification (germline): Benign/Likely benign. Review status: criteria provided, multiple submitters, no conflicts (2 of 4 stars). 4 submissions from 4 submitters: Benign (1); Likely benign (3). Last evaluated 2026-01-27.

Conditions:
FADD-related immunodeficiency. Also called: Infections, recurrent, with encephalopathy, hepatic dysfunction, and cardiovascular malformations; FADD DEFICIENCY. Identifiers: Orphanet 306550, MedGen C3151062, MONDO:0013408, OMIM 613759.

Allele frequency attached by ClinVar (database versions not stated): 1000 Genomes Project 30x 0.00016; 1000 Genomes Project 0.00020; TOPMed 0.00031; gnomAD 0.00071 and 0.00074; ExAC 0.00495.
gnomAD v4.1: 1,242 of 1,581,698 alleles (0.079%); highest among the groups gnomAD compares: South Asian, 0.18%; 7 homozygotes.

Submissions (4):

Labcorp Genetics (formerly Invitae), Labcorp
Classification: Benign for FADD-related immunodeficiency. Last evaluated: 2026-01-27. Review status: criteria provided, single submitter. Criteria: Invitae Variant Classification Sherloc (09022015). Collection method: clinical testing. Allele origin: germline.

Mayo Clinic Laboratories, Mayo Clinic
Classification: Likely benign. Last evaluated: 2025-10-21. Review status: criteria provided, single submitter. Criteria: ACMG Guidelines, 2015. Collection method: clinical testing. Allele origin: germline. Observed: 2 variant alleles.
Comment: BS2, BP4, BP7

Blueprint Genetics
Classification: Likely benign. Last evaluated: 2024-10-07. Review status: criteria provided, single submitter. Criteria: ACMG Guidelines, 2015. Collection method: clinical testing. Allele origin: germline.

Women's Health and Genetics/Laboratory Corporation of America, LabCorp
Classification: Likely benign. Last evaluated: 2024-05-20. Review status: criteria provided, single submitter. Criteria: LabCorp Variant Classification Summary - May 2015. Collection method: clinical testing. Allele origin: germline.

NM_003824.4(FADD):c.9G>T (p.Pro3=)

Gene: FADD (Fas associated via death domain; plus strand). Cytogenetic location: 11q13.3.
Variant type: single nucleotide variant.
Coding change: c.9G>T on transcript NM_003824.4 (MANE Select); coding-DNA position 9, G replaced by T.
Protein change: p.Pro3=; no amino-acid change (proline 3 retained).
Molecular consequence: synonymous variant.
Genome position (GRCh38, 1-based): chr11:70,203,468, G>T. VCF-style: chr11-70203468-G-T. GRCh37 (hg19) VCF-style: chr11-70049574-G-T.
Other names: p.Pro3=.
Identifiers: ClinVar variation 713705 (VCV000713705.14), dbSNP rs201376917, ClinGen allele CA6158382.